The following is an entry in ClinVar:

NM_000083.3(CLCN1):c.1064+2T>C

Gene: CLCN1 (chloride voltage-gated channel 1; plus strand). Cytogenetic location: 7q34.
Variant type: single nucleotide variant.
Coding change: c.1064+2T>C on transcript NM_000083.3 (MANE Select); the canonical splice donor site of the intron after coding-DNA position 1064, T replaced by C.
Molecular consequence: splice donor variant.
Genome position (GRCh38, 1-based): chr7:143,331,318, T>C. VCF-style: chr7-143331318-T-C. GRCh37 (hg19) VCF-style: chr7-143028411-T-C.
Identifiers: ClinVar variation 3760423 (VCV003760423.2).

ClinVar aggregate classification (germline): Likely pathogenic (1 of 4 stars; one submission).

Conditions:
Congenital myotonia, autosomal dominant form (THD). Also called: THOMSEN DISEASE; Myotonia congenita autosomal dominant. Identifiers: Orphanet 614, MedGen C2936781, MONDO:0008055, OMIM 160800.
Congenital myotonia, autosomal recessive form. Also called: Becker Generalized Myotonia; myotonia congenita, autosomal recessive; BECKER DISEASE. Identifiers: Orphanet 614, MedGen C0751360, MONDO:0009715, OMIM 255700.

Submission:

Labcorp Genetics (formerly Invitae), Labcorp
Classification: Likely pathogenic for Congenital myotonia, autosomal recessive form; Congenital myotonia, autosomal dominant form. Last evaluated: 2025-01-23. Review status: criteria provided, single submitter. Criteria: Invitae Variant Classification Sherloc (09022015). Collection method: clinical testing. Allele origin: germline.
Comment: This sequence change affects a donor splice site in intron 9 of the CLCN1 gene. It is expected to disrupt RNA splicing. Variants that disrupt the donor or acceptor splice site typically lead to a loss of protein function (PMID: 16199547), and loss-of-function variants in CLCN1 are known to be pathogenic (PMID: 17932099, 22094069, 23739125). This variant is not present in population databases (gnomAD no frequency). This variant has not been reported in the literature in individuals affected with CLCN1-related conditions. Algorithms developed to predict the effect of sequence changes on RNA splicing suggest that this variant may disrupt the consensus splice site. In summary, the currently available evidence indicates that the variant is pathogenic, but additional data are needed to prove that conclusively. Therefore, this variant has been classified as Likely Pathogenic.

Literature cited by the submitters: PubMed 16199547; PubMed 17932099; PubMed 22094069; PubMed 23739125.